The following is an entry in ClinVar:

ClinVar aggregate classification (germline): Uncertain significance (1 of 4 stars; one submission).

Conditions:
Amyotrophic lateral sclerosis type 1 (ALS1). Also called: AMYOTROPHIC LATERAL SCLEROSIS 1, FAMILIAL. Identifiers: Orphanet 803, MedGen C1862939, MONDO:0007103, OMIM 105400.
Perry syndrome. Also called: PARKINSONISM WITH ALVEOLAR HYPOVENTILATION AND MENTAL DEPRESSION. Identifiers: Orphanet 178509, MedGen C1868594, MONDO:0008201, OMIM 168605.
Neuronopathy, distal hereditary motor, type 7B. Also called: Distal Hereditary Motor Neuronopathy Type 7B (dHMN7B); HMN VIIB; LOWER MOTOR NEURON DISEASE, DYNACTIN TYPE; NEURONOPATHY, DISTAL HEREDITARY MOTOR, AUTOSOMAL DOMINANT 14; NEURONOPATHY, DISTAL HEREDITARY MOTOR, HARDING TYPE VIIB; NEUROPATHY, DISTAL HEREDITARY MOTOR, HARDING TYPE VIIB. Identifiers: Orphanet 139589, MedGen C1843315, MONDO:0011879, OMIM 607641.

Allele frequency attached by ClinVar (database versions not stated): TOPMed below 0.00001; gnomAD exomes 0.00001 and 0.00004; ExAC 0.00009.
gnomAD v4.1: 17 of 1,613,936 alleles (0.0011%); highest among the groups gnomAD compares: Non-Finnish European, 0.0014%; no homozygotes.

Submission:

Labcorp Genetics (formerly Invitae), Labcorp
Classification: Uncertain significance for Amyotrophic lateral sclerosis type 1; Neuronopathy, distal hereditary motor, type 7B; Perry syndrome. Last evaluated: 2021-12-18. Review status: criteria provided, single submitter. Criteria: Invitae Variant Classification Sherloc (09022015). Collection method: clinical testing. Allele origin: germline.
Comment: In summary, the available evidence is currently insufficient to determine the role of this variant in disease. Therefore, it has been classified as a Variant of Uncertain Significance. Algorithms developed to predict the effect of missense changes on protein structure and function are either unavailable or do not agree on the potential impact of this missense change (SIFT: "Deleterious"; PolyPhen-2: "Benign"; Align-GVGD: "Class C0"). ClinVar contains an entry for this variant (Variation ID: 468274). This variant has not been reported in the literature in individuals affected with DCTN1-related conditions. This variant is present in population databases (rs775442446, gnomAD 0.01%). This sequence change replaces alanine, which is neutral and non-polar, with valine, which is neutral and non-polar, at codon 1178 of the DCTN1 protein (p.Ala1178Val).

NM_004082.5(DCTN1):c.3533C>T (p.Ala1178Val)

Gene: DCTN1 (dynactin subunit 1; minus strand). Cytogenetic location: 2p13.1.
Variant type: single nucleotide variant.
Coding change: c.3533C>T on transcript NM_004082.5 (MANE Select); coding-DNA position 3533, C replaced by T.
Protein change: p.Ala1178Val; replaces alanine 1178 with valine.
Molecular consequence: missense variant. On other transcripts: non-coding transcript variant (1).
Genome position (GRCh38, 1-based): chr2:74,362,726, G>A on the plus strand (C>T on the coding strand, the complement: DCTN1 is on the minus strand). VCF-style: chr2-74362726-G-A. GRCh37 (hg19) VCF-style: chr2-74589853-G-A.
Other names: c.3458C>T, p.Ala1153Val (NM_001135040.3); c.3116C>T, p.Ala1039Val (NM_001135041.3); c.3407C>T, p.Ala1136Val (NM_001190836.2); c.3512C>T, p.Ala1171Val (NM_001190837.2); c.3482C>T, p.Ala1161Val (NM_001378991.1); c.3464C>T, p.Ala1155Val (NM_001378992.1); c.3131C>T, p.Ala1044Val (NM_023019.4); short protein forms A1044V, A1136V, A1178V, A1171V, A1039V, A1153V, A1155V, A1161V.
Identifiers: ClinVar variation 468274 (VCV000468274.7), dbSNP rs775442446, ClinGen allele CA1721445.